The following is an entry in ClinVar:

ClinVar aggregate classification (germline): Uncertain significance (1 of 4 stars; one submission).

Conditions:
Chédiak-Higashi syndrome (CHS). Also called: Chediak-Higashi Syndrome. Identifiers: Orphanet 167, MedGen C0007965, MONDO:0008963, OMIM 214500.

gnomAD v4.1: 2 of 1,614,146 alleles (0.00012%); highest among the groups gnomAD compares: Non-Finnish European, 0.00017%; no homozygotes.

Submission:

Labcorp Genetics (formerly Invitae), Labcorp
Classification: Uncertain significance for Chédiak-Higashi syndrome. Last evaluated: 2022-06-25. Review status: criteria provided, single submitter. Criteria: Invitae Variant Classification Sherloc (09022015). Collection method: clinical testing. Allele origin: germline.
Comment: This sequence change replaces isoleucine, which is neutral and non-polar, with methionine, which is neutral and non-polar, at codon 2732 of the LYST protein (p.Ile2732Met). This variant is present in population databases (no rsID available, gnomAD 0.0009%). This variant has not been reported in the literature in individuals affected with LYST-related conditions. Algorithms developed to predict the effect of missense changes on protein structure and function are either unavailable or do not agree on the potential impact of this missense change (SIFT: "Deleterious"; PolyPhen-2: "Probably Damaging"; Align-GVGD: "Class C0"). In summary, the available evidence is currently insufficient to determine the role of this variant in disease. Therefore, it has been classified as a Variant of Uncertain Significance.

NM_000081.4(LYST):c.8196T>G (p.Ile2732Met)

Gene: LYST (lysosomal trafficking regulator; minus strand). Cytogenetic location: 1q42.3.
Variant type: single nucleotide variant.
Coding change: c.8196T>G on transcript NM_000081.4 (MANE Select); coding-DNA position 8196, T replaced by G.
Protein change: p.Ile2732Met; replaces isoleucine 2732 with methionine.
Molecular consequence: missense variant.
Genome position (GRCh38, 1-based): chr1:235,741,584, A>C on the plus strand (T>G on the coding strand, the complement: LYST is on the minus strand). VCF-style: chr1-235741584-A-C. GRCh37 (hg19) VCF-style: chr1-235904884-A-C.
Other names: c.8196T>G, p.Ile2732Met (NM_001301365.1); short protein forms I2732M.
Identifiers: ClinVar variation 2058654 (VCV002058654.1), dbSNP rs1390728605, ClinGen allele CA344924056.